The following is an entry in ClinVar:

NM_052813.5(CARD9):c.1433A>G (p.His478Arg)

Gene: CARD9 (caspase recruitment domain family member 9; minus strand). Cytogenetic location: 9q34.3.
Variant type: single nucleotide variant.
Coding change: c.1433A>G on transcript NM_052813.5 (MANE Select); coding-DNA position 1433, A replaced by G.
Protein change: p.His478Arg; replaces histidine 478 with arginine.
Molecular consequence: missense variant.
Genome position (GRCh38, 1-based): chr9:136,365,142, T>C on the plus strand (A>G on the coding strand, the complement: CARD9 is on the minus strand). VCF-style: chr9-136365142-T-C. GRCh37 (hg19) VCF-style: chr9-139259594-T-C.
Other names: c.1433A>G, p.His478Arg (NM_052814.4); short protein forms H478R.
Identifiers: ClinVar variation 661511 (VCV000661511.2), dbSNP rs1588719771, ClinGen allele CA375541715.
Genomic context (GRCh38, chr9:136,365,142, plus strand): 5'-CTGTGATCGGTCACCCTGAGGCCCACGGCTGGGAGGACCCCACCCCGGGGAAGCCTTACA[T>C]GGGGGTTCCGCAAAACCTGCTCCTGGTGCAGAGCTGCAAAGGGCTGTTTCGGGCTCCCCC-3'
Protein context (NP_434700.2, residues 468-488): LHQEQVLRNP[His478Arg]DAGLSSGEPP

ClinVar aggregate classification (germline): Uncertain significance. Review status: criteria provided, multiple submitters, no conflicts (2 of 4 stars). 2 submissions from 2 submitters: Uncertain significance (2). Last evaluated 2025-08-12.

Conditions:
Inborn genetic diseases. Identifiers: MedGen C0950123, MeSH D030342.
Predisposition to invasive fungal disease due to CARD9 deficiency (IMD103). Also called: Candidiasis, familial, 2, autosomal recessive; IMMUNODEFICIENCY 103, SUSCEPTIBILITY TO FUNGAL INFECTIONS; CARD9 IMMUNODEFICIENCY. Identifiers: Orphanet 457088, MedGen C1859353, MONDO:0008905, OMIM 212050.

Submissions (2):

Ambry Genetics
Classification: Uncertain significance for Inborn genetic diseases. Last evaluated: 2025-08-12. Review status: criteria provided, single submitter. Criteria: Ambry Variant Classification Scheme 2023. Collection method: clinical testing. Allele origin: germline.

Labcorp Genetics (formerly Invitae), Labcorp
Classification: Uncertain significance for Candidiasis, familial, 2. Last evaluated: 2018-07-30. Review status: criteria provided, single submitter. Criteria: Invitae Variant Classification Sherloc (09022015). Collection method: clinical testing. Allele origin: germline.
Comment: This sequence change replaces histidine with arginine at codon 478 of the CARD9 protein (p.His478Arg). The histidine residue is moderately conserved and there is a small physicochemical difference between histidine and arginine. This variant is not present in population databases (ExAC no frequency). This variant has not been reported in the literature in individuals with CARD9-related disease. Algorithms developed to predict the effect of missense changes on protein structure and function (SIFT, PolyPhen-2, Align-GVGD) all suggest that this variant is likely to be tolerated, but these predictions have not been confirmed by published functional studies and their clinical significance is uncertain. In summary, the available evidence is currently insufficient to determine the role of this variant in disease. Therefore, it has been classified as a Variant of Uncertain Significance.